The following is an entry in ClinVar:

ClinVar aggregate classification (germline): Uncertain significance. Review status: criteria provided, multiple submitters, no conflicts (2 of 4 stars). 2 submissions from 2 submitters: Uncertain significance (2). Last evaluated 2026-02-03.

Conditions:
MED12L-related disorder. Also called: MED12L-related condition.

Allele frequency attached by ClinVar (database versions not stated): gnomAD exomes below 0.00001.
gnomAD v4.1: 3 of 1,613,970 alleles (0.00019%); highest among the groups gnomAD compares: African/African-American, 0.0027%; no homozygotes.

Submissions (2):

PreventionGenetics, part of Exact Sciences
Classification: Uncertain significance for MED12L-related condition. Last evaluated: 2026-02-03. Review status: criteria provided, single submitter. Criteria: ACMG Guidelines, 2015. Collection method: clinical testing. Allele origin: germline.
Comment: The MED12L c.5781G>C variant is predicted to result in the amino acid substitution p.Gln1927His. To our knowledge, this variant has not been reported in the literature or in a large population database (gnomAD), indicating this variant is rare. At this time, the clinical significance of this variant is uncertain due to the absence of conclusive functional and genetic evidence.

Women's Health and Genetics/Laboratory Corporation of America, LabCorp
Classification: Uncertain significance. Last evaluated: 2024-05-28. Review status: criteria provided, single submitter. Criteria: LabCorp Variant Classification Summary - May 2015. Collection method: clinical testing. Allele origin: germline.
Comment: Variant summary: MED12L c.5781G>C (p.Gln1927His) results in a non-conservative amino acid change located in the Mediator complex, subunit Med12, catenin-binding domain (IPR021989) of the encoded protein sequence. Three of five in-silico tools predict a damaging effect of the variant on protein function. The variant was absent in 250368 control chromosomes. The available data on variant occurrences in the general population are insufficient to allow any conclusion about variant significance. To our knowledge, no occurrence of c.5781G>C in individuals affected with Nizon-Isidor Syndrome and no experimental evidence demonstrating its impact on protein function have been reported. ClinVar contains an entry for this variant (Variation ID: 2635078). Based on the evidence outlined above, the variant was classified as uncertain significance.

NM_001393769.1(MED12L):c.5886G>C (p.Gln1962His)

Gene: MED12L (mediator complex subunit 12L; plus strand). Cytogenetic location: 3q25.1.
Variant type: single nucleotide variant.
Coding change: c.5886G>C on transcript NM_001393769.1 (MANE Select); coding-DNA position 5886, G replaced by C.
Protein change: p.Gln1962His; replaces glutamine 1962 with histidine.
Molecular consequence: missense variant.
Genome position (GRCh38, 1-based): chr3:151,409,308, G>C. VCF-style: chr3-151409308-G-C. GRCh37 (hg19) VCF-style: chr3-151127096-G-C.
Other names: c.5781G>C, p.Gln1927His (NM_053002.6); short protein forms Q1927H, Q1962H.
Identifiers: ClinVar variation 2635078 (VCV002635078.3), dbSNP rs753466604, ClinGen allele CA354980605.